The following is an entry in ClinVar:

NM_018192.4(P3H2):c.253G>C (p.Ala85Pro)

Gene: P3H2 (prolyl 3-hydroxylase 2; minus strand). Cytogenetic location: 3q28.
Variant type: single nucleotide variant.
Coding change: c.253G>C on transcript NM_018192.4 (MANE Select); coding-DNA position 253, G replaced by C.
Protein change: p.Ala85Pro; replaces alanine 85 with proline.
Molecular consequence: missense variant. On other transcripts: intron variant (1).
Genome position (GRCh38, 1-based): chr3:190,120,479, C>G on the plus strand (G>C on the coding strand, the complement: P3H2 is on the minus strand). VCF-style: chr3-190120479-C-G. GRCh37 (hg19) VCF-style: chr3-189838268-C-G.
Other names: c.-64+1724G>C (NM_001134418.2); short protein forms A85P.
Identifiers: ClinVar variation 1519058 (VCV001519058.5), dbSNP rs914760113, ClinGen allele CA90197216.

ClinVar aggregate classification (germline): Uncertain significance (1 of 4 stars; one submission).

Allele frequency attached by ClinVar (database versions not stated): gnomAD exomes 0.00004.
gnomAD v4.1: 8 of 1,440,250 alleles (0.00056%); highest among the groups gnomAD compares: East Asian, 0.024%; no homozygotes.

Submission:

Labcorp Genetics (formerly Invitae), Labcorp
Classification: Uncertain significance. Last evaluated: 2022-09-13. Review status: criteria provided, single submitter. Criteria: Invitae Variant Classification Sherloc (09022015). Collection method: clinical testing. Allele origin: germline.
Comment: This sequence change replaces alanine, which is neutral and non-polar, with proline, which is neutral and non-polar, at codon 85 of the P3H2 protein (p.Ala85Pro). This variant is present in population databases (no rsID available, gnomAD 0.08%). This variant has not been reported in the literature in individuals affected with P3H2-related conditions. ClinVar contains an entry for this variant (Variation ID: 1519058). Advanced modeling of protein sequence and biophysical properties (such as structural, functional, and spatial information, amino acid conservation, physicochemical variation, residue mobility, and thermodynamic stability) performed at Invitae indicates that this missense variant is not expected to disrupt P3H2 protein function. In summary, the available evidence is currently insufficient to determine the role of this variant in disease. Therefore, it has been classified as a Variant of Uncertain Significance.